The following is an entry in ClinVar:

ClinVar aggregate classification (germline): Uncertain significance (1 of 4 stars; one submission).

gnomAD v4.1: 1 of 1,211,044 alleles (0.000083%); highest among the groups gnomAD compares: Admixed American, 0.0022%; no homozygotes.

Submission:

GeneDx
Classification: Uncertain significance. Last evaluated: 2026-03-11. Review status: criteria provided, single submitter. Criteria: GeneDx Variant Classification Process June 2021. Collection method: clinical testing. Allele origin: germline.
Comment: Not observed at significant frequency in large population cohorts (gnomAD); In silico analysis suggests that this missense variant does not alter protein structure/function; Has not been previously published as pathogenic or benign to our knowledge

NM_002025.4(AFF2):c.1421C>G (p.Pro474Arg)

Gene: AFF2 (ALF transcription elongation factor 2; plus strand). Cytogenetic location: Xq28.
Variant type: single nucleotide variant.
Coding change: c.1421C>G on transcript NM_002025.4 (MANE Select); coding-DNA position 1421, C replaced by G.
Protein change: p.Pro474Arg; replaces proline 474 with arginine.
Molecular consequence: missense variant.
Genome position (GRCh38, 1-based): chrX:148,953,603, C>G. VCF-style: chrX-148953603-C-G. GRCh37 (hg19) VCF-style: chrX-148035133-C-G.
Other names: c.1322C>G, p.Pro441Arg (NM_001169122.2); c.1391C>G, p.Pro464Arg (NM_001169123.2); c.1316C>G, p.Pro439Arg (NM_001169124.2); c.1304C>G, p.Pro435Arg (NM_001169125.2); c.344C>G, p.Pro115Arg (NM_001170628.1); short protein forms P115R, P435R, P439R, P441R, P464R, P474R.
Identifiers: ClinVar variation 4891481 (VCV004891481.1).